The following is an entry in ClinVar:

ClinVar aggregate classification (germline): Uncertain significance (1 of 4 stars; one submission).

Conditions:
Familial cancer of breast. Also called: BREAST CANCER, FAMILIAL; Hereditary breast cancer; hereditary breast carcinoma. Identifiers: Orphanet 227535, MedGen C0346153, MONDO:0016419, OMIM 114480. Disease mechanism: loss of function.

Submission:

Labcorp Genetics (formerly Invitae), Labcorp
Classification: Uncertain significance for Familial cancer of breast. Last evaluated: 2022-10-06. Review status: criteria provided, single submitter. Criteria: Invitae Variant Classification Sherloc (09022015). Collection method: clinical testing. Allele origin: germline.
Comment: Experimental studies and prediction algorithms are not available or were not evaluated, and the functional significance of this variant is currently unknown. In summary, the available evidence is currently insufficient to determine the role of this variant in disease. Therefore, it has been classified as a Variant of Uncertain Significance. This variant, c.1201_1203del, results in the deletion of 1 amino acid(s) of the BARD1 protein (p.Ser403del), but otherwise preserves the integrity of the reading frame. This variant is not present in population databases (gnomAD no frequency). This variant has not been reported in the literature in individuals affected with BARD1-related conditions.

NM_000465.4(BARD1):c.1198AGT[1] (p.Ser403del)

Gene: BARD1 (BRCA1 associated RING domain 1; minus strand). Cytogenetic location: 2q35.
Variant type: Microsatellite.
Coding change: c.1198AGT[1] on transcript NM_000465.4 (MANE Select); one copy of the 3-base unit AGT starting at c.1198; the reference has two copies in a row; one copy, 3 bases deleted.
Protein change: p.Ser403del; deletes serine 403.
Molecular consequence: inframe deletion. On other transcripts: non-coding transcript variant (2), intron variant (3).
Genome position (GRCh38, 1-based): chr2:214,780,671-214,780,673, ACT deleted on the plus strand (AGT on the coding strand, the reverse complement: BARD1 is on the minus strand); deleting any 3 consecutive bases within chr2:214,780,671-214,780,676 gives the same sequence; the position shown is the placement nearest the transcript's 3' end. VCF-style (leftmost placement, unchanged base first): chr2-214780670-AACT-A. GRCh37 (hg19) VCF-style: chr2-215645394-AACT-A.
Other names: c.1141AGT[1], p.Ser384del (NM_001282543.2); c.159-28118_159-28116del (NM_001282548.2); c.215+16388_215+16390del (NM_001282545.2); c.364+11624_364+11626del (NM_001282549.2); short protein forms S403del, S384del.
Identifiers: ClinVar variation 2033970 (VCV002033970.4), dbSNP rs2469502129, ClinGen allele CA2580616679.